The following is an entry in ClinVar:

ClinVar aggregate classification (germline): Uncertain significance (1 of 4 stars; one submission).

Conditions:
Developmental and epileptic encephalopathy, 9 (DEE9). Also called: EPILEPSY, FEMALE-RESTRICTED, WITH MENTAL RETARDATION; JUBERG-HELLMAN SYNDROME; PCDH19-Related X-Linked Female-Limited Epilepsy with Mental Retardation; Early infantile epileptic encephalopathy 9. Identifiers: Orphanet 101039, Orphanet 2076, MedGen C1848137, MONDO:0010246, OMIM 300088. Disease mechanism: loss of function.

Allele frequency attached by ClinVar (database versions not stated): gnomAD exomes below 0.00001; TOPMed below 0.00001; gnomAD 0.00001.
gnomAD v4.1: 2 of 1,208,908 alleles (0.00017%); highest among the groups gnomAD compares: Non-Finnish European, 0.00022%; no homozygotes.

Submission:

Labcorp Genetics (formerly Invitae), Labcorp
Classification: Uncertain significance for Developmental and epileptic encephalopathy, 9. Last evaluated: 2023-08-23. Review status: criteria provided, single submitter. Criteria: Invitae Variant Classification Sherloc (09022015). Collection method: clinical testing. Allele origin: germline.
Comment: In summary, the available evidence is currently insufficient to determine the role of this variant in disease. Therefore, it has been classified as a Variant of Uncertain Significance. Advanced modeling of protein sequence and biophysical properties (such as structural, functional, and spatial information, amino acid conservation, physicochemical variation, residue mobility, and thermodynamic stability) has been performed at Invitae for this missense variant, however the output from this modeling did not meet the statistical confidence thresholds required to predict the impact of this variant on PCDH19 protein function. This variant has not been reported in the literature in individuals affected with PCDH19-related conditions. This variant is not present in population databases (gnomAD no frequency). This sequence change replaces serine, which is neutral and polar, with tyrosine, which is neutral and polar, at codon 1067 of the PCDH19 protein (p.Ser1067Tyr).

NM_001184880.2(PCDH19):c.3200C>A (p.Ser1067Tyr)

Gene: PCDH19 (protocadherin 19; minus strand). Cytogenetic location: Xq22.1.
Variant type: single nucleotide variant.
Coding change: c.3200C>A on transcript NM_001184880.2 (MANE Select); coding-DNA position 3200, C replaced by A.
Protein change: p.Ser1067Tyr; replaces serine 1067 with tyrosine.
Molecular consequence: missense variant.
Genome position (GRCh38, 1-based): chrX:100,296,524, G>T on the plus strand (C>A on the coding strand, the complement: PCDH19 is on the minus strand). VCF-style: chrX-100296524-G-T. GRCh37 (hg19) VCF-style: chrX-99551522-G-T.
Other names: c.3059C>A, p.Ser1020Tyr (NM_001105243.2); c.3056C>A, p.Ser1019Tyr (NM_020766.3); short protein forms S1067Y, S1019Y, S1020Y.
Identifiers: ClinVar variation 3016597 (VCV003016597.2), dbSNP rs868295418, ClinGen allele CA414000021.